The following is an entry in ClinVar:

ClinVar aggregate classification (germline): Uncertain significance (1 of 4 stars; one submission).

gnomAD v4.1: 3 of 1,613,894 alleles (0.00019%); highest among the groups gnomAD compares: Non-Finnish European, 0.00017%; no homozygotes.

Submission:

Labcorp Genetics (formerly Invitae), Labcorp
Classification: Uncertain significance. Last evaluated: 2025-04-14. Review status: criteria provided, single submitter. Criteria: Invitae Variant Classification Sherloc (09022015). Collection method: clinical testing. Allele origin: germline.
Comment: This sequence change replaces serine, which is neutral and polar, with phenylalanine, which is neutral and non-polar, at codon 477 of the DIP2C protein (p.Ser477Phe). This variant is not present in population databases (gnomAD no frequency). This variant has not been reported in the literature in individuals affected with DIP2C-related conditions. An algorithm developed to predict the effect of missense changes on protein structure and function (PolyPhen-2) suggests that this variant is likely to be disruptive. In summary, the available evidence is currently insufficient to determine the role of this variant in disease. Therefore, it has been classified as a Variant of Uncertain Significance.

NM_014974.3(DIP2C):c.1430C>T (p.Ser477Phe)

Gene: DIP2C (DIP2 acetate--CoA ligase C (putative); minus strand). Cytogenetic location: 10p15.3.
Variant type: single nucleotide variant.
Coding change: c.1430C>T on transcript NM_014974.3 (MANE Select); coding-DNA position 1430, C replaced by T.
Protein change: p.Ser477Phe; replaces serine 477 with phenylalanine.
Molecular consequence: missense variant.
Genome position (GRCh38, 1-based): chr10:390,328, G>A on the plus strand (C>T on the coding strand, the complement: DIP2C is on the minus strand). VCF-style: chr10-390328-G-A. GRCh37 (hg19) VCF-style: chr10-436268-G-A.
Other names: short protein forms S477F.
Identifiers: ClinVar variation 4776252 (VCV004776252.1).
Genomic context (GRCh38, chr10:390,328, plus strand): 5'-ATATACGCAGTGTCGTTATTGGCATCTTTAATGTGTGGGAACCAGTCTCGGGGCGGTTTG[G>A]AGAGATGTTTAGACTCTGTGACAAACCACAGCAGCTTTGGCCAACCTTGGAAATAAACAA-3'
Protein context (NP_055789.1, residues 467-487): LWFVTESKHL[Ser477Phe]KPPRDWFPHI